The following is an entry in ClinVar:

NM_005862.3(STAG1):c.1433A>T (p.His478Leu)

Gene: STAG1 (STAG1 cohesin complex component; minus strand). Cytogenetic location: 3q22.3.
Variant type: single nucleotide variant.
Coding change: c.1433A>T on transcript NM_005862.3 (MANE Select); coding-DNA position 1433, A replaced by T.
Protein change: p.His478Leu; replaces histidine 478 with leucine.
Molecular consequence: missense variant.
Genome position (GRCh38, 1-based): chr3:136,443,400, T>A on the plus strand (A>T on the coding strand, the complement: STAG1 is on the minus strand). VCF-style: chr3-136443400-T-A. GRCh37 (hg19) VCF-style: chr3-136162242-T-A.
Other names: short protein forms H478L.
Identifiers: ClinVar variation 3629946 (VCV003629946.1).

ClinVar aggregate classification (germline): Likely pathogenic (1 of 4 stars; one submission).

Conditions:
Intellectual developmental disorder, autosomal dominant 47. Also called: MENTAL RETARDATION, AUTOSOMAL DOMINANT 47; Intellectual disability, autosomal dominant 47. Identifiers: Orphanet 502434, MedGen C4539951, MONDO:0030912, OMIM 617635.

Submission:

Women's Health and Genetics/Laboratory Corporation of America, LabCorp
Classification: Likely pathogenic for Intellectual developmental disorder, autosomal dominant 47. Last evaluated: 2024-11-21. Review status: criteria provided, single submitter. Criteria: LabCorp Variant Classification Summary - May 2015. Collection method: clinical testing. Allele origin: germline.
Comment: Variant summary: STAG1 c.1433A>T (p.His478Leu) results in a non-conservative amino acid change in the encoded protein sequence. Four of five in-silico tools predict a damaging effect of the variant on protein function. The frequency data for this variant in gnomAD is considered unreliable, as metrics indicate poor data quality at this position. A different variant at this position p.H478P has also been reported in a patient affected with Intellectual disability and was reported as de novo (PMID: 28119487). To our knowledge, no experimental evidence demonstrating an impact on protein function has been reported. No submitters have cited clinical-significance assessments for this variant to ClinVar. Based on the evidence outlined above, the variant was classified as likely pathogenic.